The following is an entry in ClinVar:

ClinVar aggregate classification (germline): Likely benign. Review status: criteria provided, multiple submitters, no conflicts (2 of 4 stars). 3 submissions from 3 submitters: Likely benign (2). 1 of the submissions does not count toward it. Last evaluated 2024-11-11.

Conditions:
CYB5R3-related disorder. Also called: CYB5R3-related condition.

Allele frequency attached by ClinVar (database versions not stated): gnomAD exomes 0.00008 and 0.00013; ExAC 0.00012; gnomAD 0.00012; ESP Exome Variant Server 0.00015; TOPMed 0.00018; 1000 Genomes Project 0.00040; 1000 Genomes Project 30x 0.00047.
gnomAD v4.1: 139 of 1,613,106 alleles (0.0086%); highest among the groups gnomAD compares: Middle Eastern, 0.099%; no homozygotes.

Submissions (3):

Labcorp Genetics (formerly Invitae), Labcorp
Classification: Likely benign. Last evaluated: 2024-11-11. Review status: criteria provided, single submitter. Criteria: Invitae Variant Classification Sherloc (09022015). Collection method: clinical testing. Allele origin: germline.

Blueprint Genetics
Classification: Likely benign. Last evaluated: 2022-03-25. Review status: criteria provided, single submitter. Criteria: ACMG Guidelines, 2015. Collection method: clinical testing. Allele origin: germline.

PreventionGenetics, part of Exact Sciences
Classification: Likely benign for CYB5R3-related condition. Last evaluated: 2019-07-10. Review status: no assertion criteria provided. Collection method: clinical testing. Allele origin: germline. Not counted in ClinVar's aggregate classification.
Comment: This variant is classified as likely benign based on ACMG/AMP sequence variant interpretation guidelines (Richards et al. 2015 PMID: 25741868, with internal and published modifications).

NM_000398.7(CYB5R3):c.547+7G>A

Gene: CYB5R3 (cytochrome b5 reductase 3; minus strand). Cytogenetic location: 22q13.2.
Variant type: single nucleotide variant.
Coding change: c.547+7G>A on transcript NM_000398.7 (MANE Select); 7 bases into the intron after coding-DNA position 547, G replaced by A.
Molecular consequence: intron variant.
Genome position (GRCh38, 1-based): chr22:42,627,598, C>T on the plus strand (G>A on the coding strand, the complement: CYB5R3 is on the minus strand). VCF-style: chr22-42627598-C-T. GRCh37 (hg19) VCF-style: chr22-43023604-C-T.
Other names: c.478+7G>A (NM_007326.4, NM_001171661.1, NM_001129819.2); c.646+7G>A (NM_001171660.2).
Identifiers: ClinVar variation 709007 (VCV000709007.12), dbSNP rs377300664, ClinGen allele CA10269709.
Genomic context (GRCh38, chr22:42,627,598, plus strand): 5'-CTCACCCACACCCCAACCCCACCCTTAACATGAGCCGCCGGACGCCTCAGTGGGGGGTTC[C>T]GTGTACCTGTCCCTCCCGCGATCATGCCCACAGACTTCACTGTCCTGATGATAGGGTTGG-3'